The following is an entry in ClinVar:

ClinVar aggregate classification (germline): Likely benign (1 of 4 stars; one submission).

Conditions:
Tay-Sachs disease, variant AB. Also called: GM2 Activator Deficiency; Gm2-gangliosidosis, ab variant. Identifiers: Orphanet 309246, MedGen C0268275, MONDO:0010099, OMIM 272750.

Allele frequency attached by ClinVar (database versions not stated): 1000 Genomes Project 30x 0.00578; 1000 Genomes Project 0.00599; TOPMed 0.01428; gnomAD 0.01991.
gnomAD v4.1: 27,611 of 1,231,030 alleles (2.2%); highest among the groups gnomAD compares: Non-Finnish European, 2.6%; 370 homozygotes.

Submissions (6):

Illumina Laboratory Services, Illumina
Classification: Likely benign for Tay-Sachs disease, variant AB. Last evaluated: 2018-01-13. Review status: criteria provided, single submitter. Criteria: ICSL Variant Classification Criteria 13 December 2019. Collection method: clinical testing. Allele origin: germline.
Comment: This variant was observed in the ICSL laboratory as part of a predisposition screen in an ostensibly healthy population. It had not been previously curated by ICSL or reported in the Human Gene Mutation Database (HGMD: prior to June 1st, 2018), and was therefore a candidate for classification through an automated scoring system. Utilizing variant allele frequency, disease prevalence and penetrance estimates, and inheritance mode, an automated score was calculated to assess if this variant is too frequent to cause the disease. Based on the score and internal cut-off values, a variant classified as likely benign is not then subjected to further curation. The score for this variant resulted in a classification of likely benign for this disease.

Dr. Peter K. Rogan Lab, Western University
No classification provided (evidence only). Condition: Ovarian serous cystadenocarcinoma. Review status: no classification provided. Collection method: in vitro. Allele origin: not applicable. Functional consequence: retained intron. Not counted in ClinVar's aggregate classification.

Dr. Peter K. Rogan Lab, Western University
No classification provided (evidence only). Condition: Ovarian serous cystadenocarcinoma. Review status: no classification provided. Collection method: in vitro. Allele origin: not applicable. Functional consequence: retained intron. Not counted in ClinVar's aggregate classification.

Dr. Peter K. Rogan Lab, Western University
No classification provided (evidence only). Condition: Familial pancreatic carcinoma. Review status: no classification provided. Collection method: in vitro. Allele origin: not applicable. Functional consequence: retained intron. Not counted in ClinVar's aggregate classification.

Dr. Peter K. Rogan Lab, Western University
No classification provided (evidence only). Condition: Lymphoma. Review status: no classification provided. Collection method: in vitro. Allele origin: not applicable. Functional consequence: retained intron. Not counted in ClinVar's aggregate classification.

Dr. Peter K. Rogan Lab, Western University
No classification provided (evidence only). Condition: Ovarian cancer. Review status: no classification provided. Collection method: in vitro. Allele origin: not applicable. Functional consequence: retained intron. Not counted in ClinVar's aggregate classification.

NM_000405.5(GM2A):c.*2643G>T

Gene: GM2A (ganglioside GM2 activator; plus strand). Cytogenetic location: 5q33.1.
Variant type: single nucleotide variant.
Coding change: c.*2643G>T on transcript NM_000405.5 (MANE Select); 2643 bases downstream of the stop codon, G replaced by T.
Molecular consequence: 3 prime UTR variant.
Genome position (GRCh38, 1-based): chr5:151,270,094, G>T. VCF-style: chr5-151270094-G-T. GRCh37 (hg19) VCF-style: chr5-150649655-G-T.
Other names: NC_000005.9:g.150649655G>T; c.*2454G>T (NM_001167607.3).
Identifiers: ClinVar variation 352298 (VCV000352298.6), dbSNP rs114108271, ClinGen allele CA10623824.
Genomic context (GRCh38, chr5:151,270,094, plus strand): 5'-CGAATCTCAGTAGCTCAGTTAATCTTTTTATGTCTGCTCTGCTCTTGGGTCATATGTTCC[G>T]TGAGGTTTCTTAGGGGTGGGGGATGAGGAGTTAAAGGTGGCATCTTCAATCGCAGGTCAA-3'